The following is an entry in ClinVar:

NM_004260.4(RECQL4):c.3083T>G (p.Val1028Gly)

Gene: RECQL4 (RecQ like helicase 4; minus strand). Cytogenetic location: 8q24.3.
Variant type: single nucleotide variant.
Coding change: c.3083T>G on transcript NM_004260.4 (MANE Select); coding-DNA position 3083, T replaced by G.
Protein change: p.Val1028Gly; replaces valine 1028 with glycine.
Molecular consequence: missense variant.
Genome position (GRCh38, 1-based): chr8:144,512,297, A>C on the plus strand (T>G on the coding strand, the complement: RECQL4 is on the minus strand). VCF-style: chr8-144512297-A-C. GRCh37 (hg19) VCF-style: chr8-145737680-A-C.
Other names: short protein forms V1028G.
Identifiers: ClinVar variation 1026705 (VCV001026705.3), dbSNP rs952414985, ClinGen allele CA187679713.

ClinVar aggregate classification (germline): Uncertain significance (1 of 4 stars; one submission).

Conditions:
Baller-Gerold syndrome (BGS). Also called: CRANIOSYNOSTOSIS WITH RADIAL DEFECTS. Identifiers: Orphanet 1225, MedGen C0265308, MONDO:0009039, OMIM 218600.

Submission:

Labcorp Genetics (formerly Invitae), Labcorp
Classification: Uncertain significance for Baller-Gerold syndrome. Last evaluated: 2020-06-30. Review status: criteria provided, single submitter. Criteria: Invitae Variant Classification Sherloc (09022015). Collection method: clinical testing. Allele origin: germline.
Comment: In summary, the available evidence is currently insufficient to determine the role of this variant in disease. Therefore, it has been classified as a Variant of Uncertain Significance. Experimental studies and prediction algorithms are not available or were not evaluated, and the functional significance of this variant is currently unknown. This variant has not been reported in the literature in individuals with RECQL4-related conditions. This variant is not present in population databases (ExAC no frequency). This sequence change replaces valine with glycine at codon 1028 of the RECQL4 protein (p.Val1028Gly). The valine residue is highly conserved and there is a moderate physicochemical difference between valine and glycine.